The following is an entry in ClinVar:

ClinVar aggregate classification (germline): Uncertain significance (1 of 4 stars; one submission).

Conditions:
IFT172-related disorder. Also called: IFT172-related disorders; IFT172-related condition.

gnomAD v4.1: 14 of 1,534,110 alleles (0.00091%); highest among the groups gnomAD compares: Non-Finnish European, 0.0012%; no homozygotes.

Submission:

PreventionGenetics, part of Exact Sciences
Classification: Uncertain significance for IFT172-related condition. Last evaluated: 2025-06-22. Review status: criteria provided, single submitter. Criteria: ACMG Guidelines, 2015. Collection method: clinical testing. Allele origin: germline.
Comment: The IFT172 c.184-9A>G variant is predicted to interfere with splicing. This variant is predicted to disrupt a canonical splice acceptor site and activate a cryptic acceptor site within the intron, however such predictions are not equivalent to functional evidence (SpliceAI, Jaganathan et al. 2019. PubMed ID: 30661751). To our knowledge, this variant has not been reported in the literature. This variant is reported in 0.00096% of alleles in individuals of European (Non-Finnish) descent in gnomAD. At this time, the clinical significance of this variant is uncertain due to the absence of conclusive functional and genetic evidence.

NM_015662.3(IFT172):c.184-9A>G

Gene: IFT172 (intraflagellar transport 172; minus strand). Cytogenetic location: 2p23.3.
Variant type: single nucleotide variant.
Coding change: c.184-9A>G on transcript NM_015662.3 (MANE Select); 9 bases into the intron before coding-DNA position 184, A replaced by G.
Molecular consequence: intron variant.
Genome position (GRCh38, 1-based): chr2:27,485,139, T>C on the plus strand (A>G on the coding strand, the complement: IFT172 is on the minus strand). VCF-style: chr2-27485139-T-C. GRCh37 (hg19) VCF-style: chr2-27708006-T-C.
Other names: c.184-9A>G (NM_001410739.1).
Identifiers: ClinVar variation 4997788 (VCV004997788.1).
Genomic context (GRCh38, chr2:27,485,139, plus strand): 5'-TGGAATCAGGAGAAAAAGCCATGCCCTTCACCATATAGCTCTTCCTGCCATACTAAGAGT[T>C]TAAAAAAAAAAAAAGAAAGAAAAAGAAGTAATGAGTACACATGAAAGAGAAAAGAGAAAA-3'